The following is an entry in ClinVar:

ClinVar aggregate classification (germline): Uncertain significance (1 of 4 stars; one submission).

Allele frequency attached by ClinVar (database versions not stated): TOPMed 0.00002; gnomAD 0.00003.
gnomAD v4.1: 6 of 1,535,572 alleles (0.00039%); highest among the groups gnomAD compares: African/African-American, 0.0014%; no homozygotes.

Submission:

Labcorp Genetics (formerly Invitae), Labcorp
Classification: Uncertain significance. Last evaluated: 2025-08-29. Review status: criteria provided, single submitter. Criteria: Invitae Variant Classification Sherloc (09022015). Collection method: clinical testing. Allele origin: germline.
Comment: This sequence change affects a donor splice site in intron 5 of the CARD8 gene. It is expected to disrupt RNA splicing. Variants that disrupt the donor or acceptor splice site typically lead to a loss of protein function (PMID: 16199547), however the current clinical and genetic evidence is not sufficient to establish whether loss-of-function variants in CARD8 cause disease. This variant is present in population databases (no rsID available, gnomAD 0.007%). This variant has not been reported in the literature in individuals affected with CARD8-related conditions. ClinVar contains an entry for this variant (Variation ID: 2420485). Algorithms developed to predict the effect of sequence changes on RNA splicing suggest that this variant may disrupt the consensus splice site. In summary, the available evidence is currently insufficient to determine the role of this variant in disease. Therefore, it has been classified as a Variant of Uncertain Significance.

Literature cited by the submitters: PubMed 16199547.

NM_001184900.3(CARD8):c.391+1G>C

Gene: CARD8 (caspase recruitment domain family member 8; minus strand). Cytogenetic location: 19q13.33.
Variant type: single nucleotide variant.
Coding change: c.391+1G>C on transcript NM_001184900.3 (MANE Select); the canonical splice donor site of the intron after coding-DNA position 391, G replaced by C.
Molecular consequence: splice donor variant. On other transcripts: intron variant (6).
Genome position (GRCh38, 1-based): chr19:48,232,452, C>G on the plus strand (G>C on the coding strand, the complement: CARD8 is on the minus strand). VCF-style: chr19-48232452-C-G. GRCh37 (hg19) VCF-style: chr19-48735709-C-G.
Other names: c.77-642G>C (NM_001351787.2, NM_001351791.2, NM_001351792.2 and 2 more transcripts); c.241+1G>C (NM_001351788.2, NM_001351789.2, NM_014959.5 and 2 more transcripts); c.55+1G>C (NM_001351786.2); c.149-642G>C (NM_001351790.2); c.391+1G>C (NM_001184902.2, NM_001351782.2, NM_001184903.1).
Identifiers: ClinVar variation 2420485 (VCV002420485.7), dbSNP rs1362496708, ClinGen allele CA406646152.